The following is an entry in ClinVar:

NM_138409.4(MRAP2):c.228-1810C>T

Gene: MRAP2 (melanocortin 2 receptor accessory protein 2; plus strand). Cytogenetic location: 6q14.2.
Variant type: single nucleotide variant.
Coding change: c.228-1810C>T on transcript NM_138409.4 (MANE Select); 1810 bases into the intron before coding-DNA position 228, C replaced by T.
Molecular consequence: intron variant. On other transcripts: missense variant (1).
Genome position (GRCh38, 1-based): chr6:84,087,281, C>T. VCF-style: chr6-84087281-C-T. GRCh37 (hg19) VCF-style: chr6-84797000-C-T.
Other names: c.62C>T, p.Ser21Phe (NM_001346543.2); c.228-1810C>T (NM_001346542.2, NM_001346544.2); c.-31-1810C>T (NM_001346541.2); short protein forms S21F.
Identifiers: ClinVar variation 3350574 (VCV003350574.1).

ClinVar aggregate classification (germline): Uncertain significance (0 of 4 stars; one submission).

Conditions:
MRAP2-related disorder. Also called: MRAP2-related condition.

gnomAD v4.1: 4 of 152,092 alleles (0.0026%); highest among the groups gnomAD compares: Non-Finnish European, 0.0059%; no homozygotes.

Submission:

PreventionGenetics, part of Exact Sciences
Classification: Uncertain significance for MRAP2-related condition. Last evaluated: 2024-04-24. Review status: no assertion criteria provided. Collection method: clinical testing. Allele origin: germline.
Comment: The MRAP2 c.62C>T variant is predicted to result in the amino acid substitution p.Ser21Phe. To our knowledge, this variant has not been reported in the literature. This variant is reported in 0.0065% of alleles in individuals of European (Non-Finnish) descent in gnomAD. At this time, the clinical significance of this variant is uncertain due to the absence of conclusive functional and genetic evidence.